The following is an entry in ClinVar:

NM_019096.5(GTPBP2):c.418G>A (p.Val140Ile)

Gene: GTPBP2 (GTP binding protein 2; minus strand). Cytogenetic location: 6p21.1.
Variant type: single nucleotide variant.
Coding change: c.418G>A on transcript NM_019096.5 (MANE Select); coding-DNA position 418, G replaced by A.
Protein change: p.Val140Ile; replaces valine 140 with isoleucine.
Molecular consequence: missense variant.
Genome position (GRCh38, 1-based): chr6:43,625,845, C>T on the plus strand (G>A on the coding strand, the complement: GTPBP2 is on the minus strand). VCF-style: chr6-43625845-C-T. GRCh37 (hg19) VCF-style: chr6-43593582-C-T.
Other names: c.154G>A, p.Val52Ile (NM_001286216.2); short protein forms V140I, V52I.
Identifiers: ClinVar variation 1391895 (VCV001391895.11), dbSNP rs201217139, ClinGen allele CA3827793.

ClinVar aggregate classification (germline): Uncertain significance. Review status: criteria provided, multiple submitters, no conflicts (2 of 4 stars). 2 submissions from 2 submitters: Uncertain significance (2). Last evaluated 2025-12-22.

Conditions:
Inborn genetic diseases. Identifiers: MedGen C0950123, MeSH D030342.

Allele frequency attached by ClinVar (database versions not stated): gnomAD 0.00004; gnomAD exomes 0.00004 and 0.00006; ExAC 0.00006; ESP Exome Variant Server 0.00008; TOPMed 0.00008.

Submissions (2):

Ambry Genetics
Classification: Uncertain significance for Inborn genetic diseases. Last evaluated: 2025-12-22. Review status: criteria provided, single submitter. Criteria: Ambry Variant Classification Scheme 2023. Collection method: clinical testing. Allele origin: germline.

Labcorp Genetics (formerly Invitae), Labcorp
Classification: Uncertain significance. Last evaluated: 2023-07-21. Review status: criteria provided, single submitter. Criteria: Invitae Variant Classification Sherloc (09022015). Collection method: clinical testing. Allele origin: germline.
Comment: This sequence change replaces valine, which is neutral and non-polar, with isoleucine, which is neutral and non-polar, at codon 140 of the GTPBP2 protein (p.Val140Ile). This variant is present in population databases (rs201217139, gnomAD 0.04%). This variant has not been reported in the literature in individuals affected with GTPBP2-related conditions. ClinVar contains an entry for this variant (Variation ID: 1391895). An algorithm developed to predict the effect of missense changes on protein structure and function (PolyPhen-2) suggests that this variant¬†is likely to be tolerated. In summary, the available evidence is currently insufficient to determine the role of this variant in disease. Therefore, it has been classified as a Variant of Uncertain Significance.